The following is an entry in ClinVar:

ClinVar aggregate classification (germline): Benign/Likely benign. Review status: criteria provided, multiple submitters, no conflicts (2 of 4 stars). 3 submissions from 3 submitters: Benign (1); Likely benign (2). Last evaluated 2024-07-17.

Conditions:
BAP1-related tumor predisposition syndrome (TPDS1). Also called: BAP1 tumor predisposition syndrome; COMMON Syndrome; TUMOR PREDISPOSITION SYNDROME 1; Tumor susceptibility linked to germline BAP1 mutations. Identifiers: Orphanet 289539, MedGen C3280492, MONDO:0013692, OMIM 614327.
Hereditary cancer-predisposing syndrome. Also called: Hereditary Cancer Syndrome; Neoplastic Syndromes, Hereditary; Tumor predisposition; Hereditary neoplastic syndrome. Identifiers: Orphanet 140162, MedGen C0027672, MeSH D009386, MONDO:0015356.

Allele frequency attached by ClinVar (database versions not stated): TOPMed below 0.00001.

Submissions (3):

Myriad Genetics, Inc.
Classification: Benign for BAP1-related tumor predisposition syndrome. Last evaluated: 2024-07-17. Review status: criteria provided, single submitter. Criteria: Myriad Autosomal Dominant, Autosomal Recessive and X-Linked Classification Criteria (2023). Collection method: clinical testing. Allele origin: unknown.
Comment: This variant is considered benign. This variant is a silent/synonymous amino acid change and it is not expected to impact splicing.

Labcorp Genetics (formerly Invitae), Labcorp
Classification: Likely benign for BAP1-related tumor predisposition syndrome. Last evaluated: 2023-01-03. Review status: criteria provided, single submitter. Criteria: Invitae Variant Classification Sherloc (09022015). Collection method: clinical testing. Allele origin: germline.

Ambry Genetics
Classification: Likely benign for Hereditary cancer-predisposing syndrome. Last evaluated: 2022-07-23. Review status: criteria provided, single submitter. Criteria: Ambry Variant Classification Scheme 2023. Collection method: clinical testing. Allele origin: germline.

NM_004656.4(BAP1):c.1977G>A (p.Lys659=)

Gene: BAP1 (BRCA1 associated deubiquitinase 1; minus strand). Cytogenetic location: 3p21.1.
Variant type: single nucleotide variant.
Coding change: c.1977G>A on transcript NM_004656.4 (MANE Select); coding-DNA position 1977, G replaced by A.
Protein change: p.Lys659=; no amino-acid change (lysine 659 retained).
Molecular consequence: synonymous variant.
Genome position (GRCh38, 1-based): chr3:52,402,785, C>T on the plus strand (G>A on the coding strand, the complement: BAP1 is on the minus strand). VCF-style: chr3-52402785-C-T. GRCh37 (hg19) VCF-style: chr3-52436801-C-T.
Identifiers: ClinVar variation 1082873 (VCV001082873.10), dbSNP rs1705006347, ClinGen allele CA433885729.